The following is an entry in ClinVar:

NM_000051.4(ATM):c.3001C>G (p.Leu1001Val)

Gene: ATM (ATM serine/threonine kinase; plus strand). Cytogenetic location: 11q22.3.
Variant type: single nucleotide variant.
Coding change: c.3001C>G on transcript NM_000051.4 (MANE Select); coding-DNA position 3001, C replaced by G.
Protein change: p.Leu1001Val; replaces leucine 1001 with valine.
Molecular consequence: missense variant.
Genome position (GRCh38, 1-based): chr11:108,271,330, C>G. VCF-style: chr11-108271330-C-G. GRCh37 (hg19) VCF-style: chr11-108142057-C-G.
Other names: c.3001C>G, p.Leu1001Val (NM_001351834.2); short protein forms L1001V.
Identifiers: ClinVar variation 418029 (VCV000418029.17), dbSNP rs377244521, ClinGen allele CA6265170.

ClinVar aggregate classification (germline): Uncertain significance. Review status: criteria provided, multiple submitters, no conflicts (2 of 4 stars). 3 submissions from 3 submitters: Uncertain significance (3). Last evaluated 2025-10-21.

Conditions:
Hereditary cancer-predisposing syndrome. Also called: Tumor predisposition; Neoplastic Syndromes, Hereditary; Hereditary Cancer Syndrome; Hereditary neoplastic syndrome. Identifiers: Orphanet 140162, MedGen C0027672, MeSH D009386, MONDO:0015356.
Ataxia-telangiectasia syndrome (AT). Also called: Ataxia-telangiectasia; Cerebello-oculocutaneous telangiectasia; Immunodeficiency with ataxia telangiectasia; ATAXIA-TELANGIECTASIA, COMPLEMENTATION GROUP A; ATAXIA-TELANGIECTASIA, FRESNO VARIANT; Ataxia-telangiectasia, complementation group D. Identifiers: Orphanet 100, MedGen C0004135, MONDO:0008840, OMIM 208900.

Allele frequency attached by ClinVar (database versions not stated): TOPMed below 0.00001; gnomAD exomes 0.00001 and below 0.00001; ExAC 0.00002; ESP Exome Variant Server 0.00008.
gnomAD v4.1: 2 of 1,613,622 alleles (0.00012%); highest among the groups gnomAD compares: Non-Finnish European, 0.00017%; no homozygotes.

Submissions (3):

Labcorp Genetics (formerly Invitae), Labcorp
Classification: Uncertain significance for Ataxia-telangiectasia syndrome. Last evaluated: 2025-10-21. Review status: criteria provided, single submitter. Criteria: Invitae Variant Classification Sherloc (09022015). Collection method: clinical testing. Allele origin: germline.
Comment: This sequence change replaces leucine, which is neutral and non-polar, with valine, which is neutral and non-polar, at codon 1001 of the ATM protein (p.Leu1001Val). This variant is present in population databases (rs377244521, gnomAD 0.0009%). This variant has not been reported in the literature in individuals affected with ATM-related conditions. ClinVar contains an entry for this variant (Variation ID: 418029). Invitae Evidence Modeling of protein sequence and biophysical properties (such as structural, functional, and spatial information, amino acid conservation, physicochemical variation, residue mobility, and thermodynamic stability) indicates that this missense variant is not expected to disrupt ATM protein function with a negative predictive value of 95%. In summary, the available evidence is currently insufficient to determine the role of this variant in disease. Therefore, it has been classified as a Variant of Uncertain Significance.

Ambry Genetics
Classification: Uncertain significance for Hereditary cancer-predisposing syndrome. Last evaluated: 2024-07-23. Review status: criteria provided, single submitter. Criteria: Ambry Variant Classification Scheme 2023. Collection method: clinical testing. Allele origin: germline.
Comment: The p.L1001V variant (also known as c.3001C>G), located in coding exon 19 of the ATM gene, results from a C to G substitution at nucleotide position 3001. The leucine at codon 1001 is replaced by valine, an amino acid with highly similar properties. This amino acid position is highly conserved in available vertebrate species. In addition, the in silico prediction for this alteration is inconclusive. Based on the available evidence, the clinical significance of this variant remains unclear.

GeneDx
Classification: Uncertain significance. Last evaluated: 2014-10-23. Review status: criteria provided, single submitter. Criteria: GeneDx Variant Classification (06012015). Collection method: clinical testing. Allele origin: germline. Affected: yes.
Comment: This variant is denoted ATM c.3001C>G at the cDNA level, p.Leu1001Val (L1001V) at the protein level, and results in the change of a Leucine to a Valine (CTA>GTA). This variant has not, to our knowledge, been published in the literature as pathogenic or benign. ATM Leu1001Val was not observed at a significant allele frequency in the NHLBI Exome Sequencing Project. Since Leucine and Valine share similar properties, this is considered a conservative amino acid substitution. ATM Leu1001Val occurs at a position that is highly conserved across species and is located in the region interacting with beta-adaptin (Tavtigian 2009). In silico analyses predict that this variant is probably damaging to protein structure and function. In addition, splicing models predict that this variant may create a cryptic splice donor site upstream of the natural splice donor site. Based on currently available information, it is unclear whether ATM Leu1001Val is pathogenic or benign. We consider it to be a variant of uncertain significance.